The following is an entry in ClinVar:

ClinVar aggregate classification (germline): Uncertain significance (1 of 4 stars; one submission).

Submission:

Women's Health and Genetics/Laboratory Corporation of America, LabCorp
Classification: Uncertain significance. Last evaluated: 2024-11-01. Review status: criteria provided, single submitter. Criteria: LabCorp Variant Classification Summary - May 2015. Collection method: clinical testing. Allele origin: germline.
Comment: Variant summary: KMT2C c.199G>C (p.Asp67His) results in a non-conservative amino acid change in the encoded protein sequence. Five of five in-silico tools predict a damaging effect of the variant on protein function. The variant allele was found at a frequency of 4e-06 in 249694 control chromosomes. The available data on variant occurrences in the general population are insufficient to allow any conclusion about variant significance. To our knowledge, no occurrence of c.199G>C in individuals affected with Kleefstra Syndrome 2 and no experimental evidence demonstrating its impact on protein function have been reported. No submitters have cited clinical-significance assessments for this variant to ClinVar. Based on the evidence outlined above, the variant was classified as uncertain significance.

NM_170606.3(KMT2C):c.199G>C (p.Asp67His)

Gene: KMT2C (lysine methyltransferase 2C; minus strand). Cytogenetic location: 7q36.1.
Variant type: single nucleotide variant.
Coding change: c.199G>C on transcript NM_170606.3 (MANE Select); coding-DNA position 199, G replaced by C.
Protein change: p.Asp67His; replaces aspartic acid 67 with histidine.
Molecular consequence: missense variant.
Genome position (GRCh38, 1-based): chr7:152,358,638, C>G on the plus strand (G>C on the coding strand, the complement: KMT2C is on the minus strand). VCF-style: chr7-152358638-C-G. GRCh37 (hg19) VCF-style: chr7-152055723-C-G.
Other names: short protein forms D67H.
Identifiers: ClinVar variation 3629893 (VCV003629893.1).